The following is an entry in ClinVar:

NM_144499.3(GNAT1):c.773C>T (p.Thr258Met)

Gene: GNAT1 (G protein subunit alpha transducin 1; plus strand). Cytogenetic location: 3p21.31.
Variant type: single nucleotide variant.
Coding change: c.773C>T on transcript NM_144499.3 (MANE Select); coding-DNA position 773, C replaced by T.
Protein change: p.Thr258Met; replaces threonine 258 with methionine.
Molecular consequence: missense variant.
Genome position (GRCh38, 1-based): chr3:50,194,565, C>T. VCF-style: chr3-50194565-C-T. GRCh37 (hg19) VCF-style: chr3-50231998-C-T.
Other names: c.773C>T, p.Thr258Met (NM_000172.4); short protein forms T258M.
Identifiers: ClinVar variation 903402 (VCV000903402.11), dbSNP rs769077570, ClinGen allele CA2412712.

ClinVar aggregate classification (germline): Uncertain significance. Review status: criteria provided, multiple submitters, no conflicts (2 of 4 stars). 3 submissions from 3 submitters: Uncertain significance (3). Last evaluated 2025-04-11.

Conditions:
Congenital stationary night blindness autosomal dominant 3. Also called: NIGHT BLINDNESS, CONGENITAL STATIONARY, NOUGARET TYPE. Identifiers: Orphanet 215, MedGen C1864870, MONDO:0012497, OMIM 610444.

Allele frequency attached by ClinVar (database versions not stated): gnomAD exomes below 0.00001 and 0.00003; ExAC 0.00001; gnomAD 0.00003 and 0.00004; TOPMed 0.00003.

Submissions (3):

Revvity Omics, Revvity
Classification: Uncertain significance. Last evaluated: 2025-04-11. Review status: criteria provided, single submitter. Criteria: ACMG Guidelines, 2015. Collection method: clinical testing. Allele origin: germline.

Labcorp Genetics (formerly Invitae), Labcorp
Classification: Uncertain significance. Last evaluated: 2025-03-17. Review status: criteria provided, single submitter. Criteria: Invitae Variant Classification Sherloc (09022015). Collection method: clinical testing. Allele origin: germline.
Comment: This sequence change replaces threonine, which is neutral and polar, with methionine, which is neutral and non-polar, at codon 258 of the GNAT1 protein (p.Thr258Met). This variant is present in population databases (rs769077570, gnomAD 0.002%). This variant has not been reported in the literature in individuals affected with GNAT1-related conditions. ClinVar contains an entry for this variant (Variation ID: 903402). Invitae Evidence Modeling of protein sequence and biophysical properties (such as structural, functional, and spatial information, amino acid conservation, physicochemical variation, residue mobility, and thermodynamic stability) indicates that this missense variant is expected to disrupt GNAT1 protein function with a positive predictive value of 80%. In summary, the available evidence is currently insufficient to determine the role of this variant in disease. Therefore, it has been classified as a Variant of Uncertain Significance.

Illumina Laboratory Services, Illumina
Classification: Uncertain significance for Congenital stationary night blindness autosomal dominant 3. Last evaluated: 2018-01-13. Review status: criteria provided, single submitter. Criteria: ICSL Variant Classification Criteria 13 December 2019. Collection method: clinical testing. Allele origin: germline.